The following is an entry in ClinVar:

ClinVar aggregate classification (germline): Pathogenic/Likely pathogenic. Review status: criteria provided, multiple submitters, no conflicts (2 of 4 stars). 6 submissions from 6 submitters: Pathogenic (1); Likely pathogenic (4). 1 of the submissions does not count toward it. Last evaluated 2025-04-30.

Conditions:
Nephronophthisis 15 (NPHP15). Identifiers: Orphanet 3156, MedGen C3541853, MONDO:0013917, OMIM 614845.
CEP164-related disorder. Also called: CEP164-related condition.
Retinal dystrophy. Also called: Inherited retinal dystrophy. Identifiers: Orphanet 71862, MedGen C0854723, MeSH D058499, MONDO:0019118, HP:0000556.

Submissions (6):

PreventionGenetics, part of Exact Sciences
Classification: Likely pathogenic for CEP164-related condition. Last evaluated: 2025-04-30. Review status: criteria provided, single submitter. Criteria: ACMG Guidelines, 2015. Collection method: clinical testing. Allele origin: germline.
Comment: The CEP164 c.381dupC variant is predicted to result in a frameshift and premature protein termination (p.Lys128Glnfs*77). This variant was reported as likely pathogenic in a large genetic carrier screen (Table S3, Hanany et al. 2020. PubMed ID: 31964843). This variant is reported in 0.020% of alleles in individuals of African descent in gnomAD. Frameshift variants in CEP164 are expected to be pathogenic. This variant is interpreted as likely pathogenic.

Labcorp Genetics (formerly Invitae), Labcorp
Classification: Pathogenic for Nephronophthisis 15. Last evaluated: 2024-10-25. Review status: criteria provided, single submitter. Criteria: Invitae Variant Classification Sherloc (09022015). Collection method: clinical testing. Allele origin: germline.
Comment: This sequence change creates a premature translational stop signal (p.Lys128Glnfs*77) in the CEP164 gene. It is expected to result in an absent or disrupted protein product. Loss-of-function variants in CEP164 are known to be pathogenic (PMID: 22863007, 28125082). The frequency data for this variant in the population databases is considered unreliable, as metrics indicate poor data quality at this position in the gnomAD database. This variant has not been reported in the literature in individuals affected with CEP164-related conditions. ClinVar contains an entry for this variant (Variation ID: 581067). For these reasons, this variant has been classified as Pathogenic.

Blueprint Genetics
Classification: Likely pathogenic for CEP164-related disorders. Last evaluated: 2024-09-10. Review status: criteria provided, single submitter. Criteria: ACMG Guidelines, 2015. Collection method: clinical testing. Allele origin: germline. Affected: yes. Observed: 5 variant alleles.

Fulgent Genetics
Classification: Likely pathogenic for Nephronophthisis 15. Last evaluated: 2024-02-06. Review status: criteria provided, single submitter. Criteria: ACMG Guidelines, 2015. Collection method: clinical testing. Allele origin: germline.

GeneDx
Classification: Likely pathogenic. Last evaluated: 2024-02-05. Review status: criteria provided, single submitter. Criteria: GeneDx Variant Classification Process June 2021. Collection method: clinical testing. Allele origin: germline.
Comment: Frameshift variant predicted to result in protein truncation or nonsense mediated decay in a gene for which loss of function is a known mechanism of disease; Has been noted in the literature in a study examining carrier frequency but has not been reported in an individual with features with CEP164-related disorder to our knowledge (PMID: 31964843); This variant is associated with the following publications: (PMID: 31964843)

Institute of Human Genetics, Univ. Regensburg, Univ. Regensburg
Classification: Pathogenic for Retinal dystrophy. Last evaluated: 2022-01-01. Review status: no assertion criteria provided. Criteria: ACMG Guidelines, 2015. Collection method: clinical testing. Allele origin: germline. Affected: yes. Not counted in ClinVar's aggregate classification.

Literature cited by the submitters: PubMed 22863007 (cited by Labcorp Genetics (formerly Invitae), Labcorp); PubMed 28125082 (cited by Labcorp Genetics (formerly Invitae), Labcorp).

NM_014956.5(CEP164):c.381dup (p.Lys128fs)

Gene: CEP164 (centrosomal protein 164; plus strand). Cytogenetic location: 11q23.3.
Variant type: Duplication.
Coding change: c.381dup on transcript NM_014956.5 (MANE Select); coding-DNA position 381, one base duplicated (C; older notation c.381dupC).
Protein change: p.Lys128fs; shifts the reading frame from lysine 128.
Molecular consequence: frameshift variant.
Genome position (GRCh38, 1-based): chr11:117,351,976, C duplicated; the last of 7 consecutive C bases (chr11:117,351,970-117,351,976); duplicating any one gives the same sequence. VCF-style (leftmost placement, unchanged base first): chr11-117351969-A-AC. GRCh37 (hg19) VCF-style: chr11-117222685-A-AC.
Other names: c.381dupC (NM_014956.4); c.381dup (NM_014956.4); c.381dup, p.Lys128fs (NM_001271933.2); short protein forms K128fs.
Identifiers: ClinVar variation 581067 (VCV000581067.13), dbSNP rs747914869, ClinGen allele CA6294410.
Genomic context (GRCh38, chr11:117,351,969, plus strand): 5'-CTTCTGGGGCCATTAAGAAGAAGAAAAAAAAAAAGGAAAAGAAAGACAAGAAGGACAGAG[A>AC]CCCCCCCAAAAGTTCGCTGGTGAGTCAGTGGATGCCTCCTCCCAGAGAGGCCAGGGCTGA-3'